The following is an entry in ClinVar:

ClinVar aggregate classification (germline): Uncertain significance (1 of 4 stars; one submission).

Submission:

Labcorp Genetics (formerly Invitae), Labcorp
Classification: Uncertain significance. Last evaluated: 2026-01-21. Review status: criteria provided, single submitter. Criteria: Invitae Variant Classification Sherloc (09022015). Collection method: clinical testing. Allele origin: germline.
Comment: This sequence change replaces alanine, which is neutral and non-polar, with valine, which is neutral and non-polar, at codon 834 of the LZTR1 protein (p.Ala834Val). This variant is not present in population databases (gnomAD no frequency). This variant has not been reported in the literature in individuals affected with LZTR1-related conditions. Invitae Evidence Modeling of protein sequence and biophysical properties (such as structural, functional, and spatial information, amino acid conservation, physicochemical variation, residue mobility, and thermodynamic stability) indicates that this missense variant is not expected to disrupt LZTR1 protein function with a negative predictive value of 80%. In summary, the available evidence is currently insufficient to determine the role of this variant in disease. Therefore, it has been classified as a Variant of Uncertain Significance.

NM_006767.4(LZTR1):c.2501C>T (p.Ala834Val)

Gene: LZTR1 (leucine zipper like post translational regulator 1; plus strand). Cytogenetic location: 22q11.21.
Variant type: single nucleotide variant.
Coding change: c.2501C>T on transcript NM_006767.4 (MANE Select); coding-DNA position 2501, C replaced by T.
Protein change: p.Ala834Val; replaces alanine 834 with valine.
Molecular consequence: missense variant.
Genome position (GRCh38, 1-based): chr22:20,997,326, C>T. VCF-style: chr22-20997326-C-T. GRCh37 (hg19) VCF-style: chr22-21351615-C-T.
Other names: short protein forms A834V.
Identifiers: ClinVar variation 4760341 (VCV004760341.1).